The following is an entry in ClinVar:

ClinVar aggregate classification (germline): Uncertain significance (1 of 4 stars; one submission).

Conditions:
Anophthalmia-microphthalmia syndrome. Also called: Anophthalmia/Microphthalmia; Anophthalmia - microphthalmia. Identifiers: Orphanet 98555, MedGen C5680330, MONDO:0020147.

Allele frequency attached by ClinVar (database versions not stated): gnomAD exomes below 0.00001.
gnomAD v4.1: 2 of 1,614,092 alleles (0.00012%); highest among the groups gnomAD compares: Non-Finnish European, 0.000085%; no homozygotes.

Submission:

Labcorp Genetics (formerly Invitae), Labcorp
Classification: Uncertain significance for Anophthalmia-microphthalmia syndrome. Last evaluated: 2022-10-14. Review status: criteria provided, single submitter. Criteria: Invitae Variant Classification Sherloc (09022015). Collection method: clinical testing. Allele origin: germline.
Comment: This sequence change replaces serine, which is neutral and polar, with threonine, which is neutral and polar, at codon 146 of the OTX2 protein (p.Ser146Thr). This variant is not present in population databases (gnomAD no frequency). This variant has not been reported in the literature in individuals affected with OTX2-related conditions. Algorithms developed to predict the effect of missense changes on protein structure and function (SIFT, PolyPhen-2, Align-GVGD) all suggest that this variant is likely to be tolerated. In summary, the available evidence is currently insufficient to determine the role of this variant in disease. Therefore, it has been classified as a Variant of Uncertain Significance.

NM_021728.4(OTX2):c.461G>C (p.Ser154Thr)

Gene: OTX2 (orthodenticle homeobox 2; minus strand). Cytogenetic location: 14q22.3.
Variant type: single nucleotide variant.
Coding change: c.461G>C on transcript NM_021728.4 (MANE Select); coding-DNA position 461, G replaced by C.
Protein change: p.Ser154Thr; replaces serine 154 with threonine.
Molecular consequence: missense variant. On other transcripts: non-coding transcript variant (2).
Genome position (GRCh38, 1-based): chr14:56,802,168, C>G on the plus strand (G>C on the coding strand, the complement: OTX2 is on the minus strand). VCF-style: chr14-56802168-C-G. GRCh37 (hg19) VCF-style: chr14-57268886-C-G.
Other names: c.437G>C, p.Ser146Thr (NM_001270523.2, NM_001270524.2, NM_172337.3); c.461G>C, p.Ser154Thr (NM_001270525.2); short protein forms S146T, S154T.
Identifiers: ClinVar variation 1721608 (VCV001721608.6), dbSNP rs1891909621, ClinGen allele CA390051818.
Genomic context (GRCh38, chr14:56,802,168, plus strand): 5'-GTGGACAAGGGATCTGACAGTGGGGAGATGGAAGCTGGGCTCCAGATAGACACAGGAGCA[C>G]TGCTGCTGGCAATGGTCGGGACTGAGGTGCTAGAGGGGGGAGTGAATTGGCCACTTGTTC-3'
Protein context (NP_068374.1, residues 144-164): STSVPTIASS[Ser154Thr]APVSIWSPAS